The following is an entry in ClinVar:

ClinVar aggregate classification (germline): Uncertain significance (1 of 4 stars; one submission).

Conditions:
Immunodeficiency. Identifiers: MedGen C0021051, MONDO:0021094, HP:0002721.

gnomAD v4.1: 1 of 1,614,160 alleles (0.000062%); highest among the groups gnomAD compares: Non-Finnish European, 0.000085%; no homozygotes.

Submission:

Labcorp Genetics (formerly Invitae), Labcorp
Classification: Uncertain significance for Immunodeficiency. Last evaluated: 2025-04-14. Review status: criteria provided, single submitter. Criteria: Invitae Variant Classification Sherloc (09022015). Collection method: clinical testing. Allele origin: germline.
Comment: This sequence change replaces lysine, which is basic and polar, with arginine, which is basic and polar, at codon 330 of the NFAT5 protein (p.Lys330Arg). This variant is not present in population databases (gnomAD no frequency). This variant has not been reported in the literature in individuals affected with NFAT5-related conditions. ClinVar contains an entry for this variant (Variation ID: 3649949). An algorithm developed to predict the effect of missense changes on protein structure and function (PolyPhen-2) suggests that this variant is likely to be disruptive. In summary, the available evidence is currently insufficient to determine the role of this variant in disease. Therefore, it has been classified as a Variant of Uncertain Significance.

NM_138713.4(NFAT5):c.1271A>G (p.Lys424Arg)

Gene: NFAT5 (nuclear factor of activated T cells 5; plus strand). Cytogenetic location: 16q22.1.
Variant type: single nucleotide variant.
Coding change: c.1271A>G on transcript NM_138713.4 (MANE Select); coding-DNA position 1271, A replaced by G.
Protein change: p.Lys424Arg; replaces lysine 424 with arginine.
Molecular consequence: missense variant.
Genome position (GRCh38, 1-based): chr16:69,659,801, A>G. VCF-style: chr16-69659801-A-G. GRCh37 (hg19) VCF-style: chr16-69693704-A-G.
Other names: c.989A>G, p.Lys330Arg (NM_138714.4, NM_173214.3, NM_173215.3); c.1271A>G, p.Lys424Arg (NM_001113178.3); c.599A>G, p.Lys200Arg (NM_001367709.1); c.1217A>G, p.Lys406Arg (NM_006599.4); short protein forms K330R, K424R, K200R, K406R.
Identifiers: ClinVar variation 3649949 (VCV003649949.2).